The following is an entry in ClinVar:

NM_000540.3(RYR1):c.6256G>A (p.Ala2086Thr)

Gene: RYR1 (ryanodine receptor 1; plus strand). Cytogenetic location: 19q13.2.
Variant type: single nucleotide variant.
Coding change: c.6256G>A on transcript NM_000540.3 (MANE Select); coding-DNA position 6256, G replaced by A.
Protein change: p.Ala2086Thr; replaces alanine 2086 with threonine.
Molecular consequence: missense variant.
Genome position (GRCh38, 1-based): chr19:38,492,618, G>A. VCF-style: chr19-38492618-G-A. GRCh37 (hg19) VCF-style: chr19-38983258-G-A.
Other names: c.6256G>A, p.Ala2086Thr (NM_001042723.2); short protein forms A2086T.
Identifiers: ClinVar variation 3074566 (VCV003074566.1), dbSNP rs2514265399, ClinGen allele CA405662623.

ClinVar aggregate classification (germline): Uncertain significance (1 of 4 stars; one submission).

Conditions:
Malignant hyperthermia, susceptibility to, 1 (MHS1). Also called: Anesthesia related hyperthermia; Malignant hyperpyrexia; Fulminating hyperpyrexia; Pharmacogenic myopathy; RYR1-Related Malignant Hyperthermia Susceptibility; Malignant hyperthermia suceptibility 1. Identifiers: Orphanet 423, MedGen C2930980, MONDO:0007783, OMIM 145600.

Submission:

All of Us Research Program, National Institutes of Health
Classification: Uncertain significance for Malignant hyperthermia, susceptibility to, 1. Last evaluated: 2023-11-20. Review status: criteria provided, single submitter. Criteria: ACMG Guidelines, 2015. Collection method: clinical testing. Allele origin: germline. Inheritance: Autosomal dominant inheritance. Observed: 1 variant allele, 1 heterozygote.
Comment: This missense variant replaces alanine with threonine at codon 2086 of the RYR1 protein. Computational prediction suggests that this variant may not impact protein structure and function (internally defined REVEL score threshold <= 0.5, PMID: 27666373). To our knowledge, functional studies have not been reported for this variant. This variant has not been reported in individuals affected with RYR1-related disorders in the literature. This variant has not been identified in the general population by the Genome Aggregation Database (gnomAD). The available evidence is insufficient to determine the role of this variant in disease conclusively. Therefore, this variant is classified as a Variant of Uncertain Significance.

This study involves interpretation of variants in research participants for the purpose of population health screening. Participant phenotype was not available at the time of variant classification. Additional details can be found in publication PMID: 35346344, PMCID: PMC8962531